The following is an entry in ClinVar:

ClinVar aggregate classification (germline): Uncertain significance. Review status: criteria provided, multiple submitters, no conflicts (2 of 4 stars). 3 submissions from 3 submitters: Uncertain significance (3). Last evaluated 2025-09-30.

Conditions:
Inborn genetic diseases. Identifiers: MedGen C0950123, MeSH D030342.

Allele frequency attached by ClinVar (database versions not stated): gnomAD 0.00004.
gnomAD v4.1: 91 of 1,547,144 alleles (0.0059%); highest among the groups gnomAD compares: Non-Finnish European, 0.0074%; no homozygotes.

Submissions (3):

Women's Health and Genetics/Laboratory Corporation of America, LabCorp
Classification: Uncertain significance. Last evaluated: 2025-09-30. Review status: criteria provided, single submitter. Criteria: LabCorp Variant Classification Summary - May 2015. Collection method: clinical testing. Allele origin: germline.
Comment: Variant summary: CRB2 c.77C>A (p.Ala26Asp) results in a non-conservative amino acid change in the encoded protein sequence. Algorithms developed to predict the effect of missense changes on protein structure and function are either unavailable or do not agree on the potential impact of this missense change. The variant allele was found at a frequency of 2.6e-05 in 151368 control chromosomes. The available data on variant occurrences in the general population are insufficient to allow any conclusion about variant significance. To our knowledge, no occurrence of c.77C>A in individuals affected with CRB2-related conditions and no experimental evidence demonstrating its impact on protein function have been reported. ClinVar contains an entry for this variant (Variation ID: 2215675). Based on the evidence outlined above, the variant was classified as uncertain significance.

GeneDx
Classification: Uncertain significance. Last evaluated: 2025-04-08. Review status: criteria provided, single submitter. Criteria: GeneDx Variant Classification Process June 2021. Collection method: clinical testing. Allele origin: germline. Affected: yes.
Comment: In silico analysis indicates that this missense variant does not alter protein structure/function; Has not been previously published as pathogenic or benign to our knowledge

Ambry Genetics
Classification: Uncertain significance for Inborn genetic diseases. Last evaluated: 2021-10-26. Review status: criteria provided, single submitter. Criteria: Ambry Variant Classification Scheme 2023. Collection method: clinical testing. Allele origin: germline.

NM_173689.7(CRB2):c.77C>A (p.Ala26Asp)

Gene: CRB2 (crumbs cell polarity complex component 2; plus strand). Cytogenetic location: 9q33.3.
Variant type: single nucleotide variant.
Coding change: c.77C>A on transcript NM_173689.7 (MANE Select); coding-DNA position 77, C replaced by A.
Protein change: p.Ala26Asp; replaces alanine 26 with aspartic acid.
Molecular consequence: missense variant.
Genome position (GRCh38, 1-based): chr9:123,356,337, C>A. VCF-style: chr9-123356337-C-A. GRCh37 (hg19) VCF-style: chr9-126118616-C-A.
Other names: c.77C>A (NM_173689.6); short protein forms A26D.
Identifiers: ClinVar variation 2215675 (VCV002215675.4), dbSNP rs1020318058, ClinGen allele CA199619196.